The following is an entry in ClinVar:

ClinVar aggregate classification (germline): Likely pathogenic (1 of 4 stars; one submission).

gnomAD v4.1: 1 of 1,612,824 alleles (0.000062%); no homozygotes.

Submission:

Labcorp Genetics (formerly Invitae), Labcorp
Classification: Likely pathogenic. Last evaluated: 2023-03-23. Review status: criteria provided, single submitter. Criteria: Invitae Variant Classification Sherloc (09022015). Collection method: clinical testing. Allele origin: germline.
Comment: This sequence change affects an acceptor splice site in intron 10 of the ACBD5 gene. It is expected to disrupt RNA splicing. Variants that disrupt the donor or acceptor splice site typically lead to a loss of protein function (PMID: 16199547), and loss-of-function variants in ACBD5 are known to be pathogenic (PMID: 23105016, 27799409). This variant is not present in population databases (gnomAD no frequency). This variant has not been reported in the literature in individuals affected with ACBD5-related conditions. ClinVar contains an entry for this variant (Variation ID: 1910726). Algorithms developed to predict the effect of sequence changes on RNA splicing suggest that this variant may disrupt the consensus splice site. In summary, the currently available evidence indicates that the variant is pathogenic, but additional data are needed to prove that conclusively. Therefore, this variant has been classified as Likely Pathogenic.

Literature cited by the submitters: PubMed 16199547; PubMed 23105016; PubMed 27799409.

NM_145698.5(ACBD5):c.1405-2A>C

Gene: ACBD5 (acyl-CoA binding domain containing 5; minus strand). Cytogenetic location: 10p12.1.
Variant type: single nucleotide variant.
Coding change: c.1405-2A>C on transcript NM_145698.5 (MANE Select); the canonical splice acceptor site of the intron before coding-DNA position 1405, A replaced by C.
Molecular consequence: splice acceptor variant.
Genome position (GRCh38, 1-based): chr10:27,205,250, T>G on the plus strand (A>C on the coding strand, the complement: ACBD5 is on the minus strand). VCF-style: chr10-27205250-T-G. GRCh37 (hg19) VCF-style: chr10-27494179-T-G.
Other names: c.1405-2A>C (NM_001352570.1); c.1078-2A>C (NM_001301253.2, NM_001301251.2, NM_001352583.1 and 2 more transcripts); c.1246-2A>C (NM_001352580.2); c.1300-2A>C (NM_001352577.2, NM_001042473.4, NM_001352578.2 and 1 more transcripts); c.1333-2A>C (NM_001352575.2, NM_001352574.2, NM_001352576.2); c.1096-2A>C (NM_001352582.2); c.1111-2A>C (NM_001352585.1); c.1426-2A>C (NM_001352572.1); and 10 more.
Identifiers: ClinVar variation 1910726 (VCV001910726.5), dbSNP rs2540423816, ClinGen allele CA376372994.